The following is an entry in ClinVar:

NM_020964.3(EPG5):c.3079A>G (p.Met1027Val)

Gene: EPG5 (ectopic P-granules 5 autophagy tethering factor; minus strand). Cytogenetic location: 18q21.1.
Variant type: single nucleotide variant.
Coding change: c.3079A>G on transcript NM_020964.3 (MANE Select); coding-DNA position 3079, A replaced by G.
Protein change: p.Met1027Val; replaces methionine 1027 with valine.
Molecular consequence: missense variant.
Genome position (GRCh38, 1-based): chr18:45,922,360, T>C on the plus strand (A>G on the coding strand, the complement: EPG5 is on the minus strand). VCF-style: chr18-45922360-T-C. GRCh37 (hg19) VCF-style: chr18-43502326-T-C.
Other names: c.3079A>G, p.Met1027Val (LRG_1234t1); short protein forms M1027V.
Identifiers: ClinVar variation 534610 (VCV000534610.19), dbSNP rs200114829, ClinGen allele CA8949275.

ClinVar aggregate classification (germline): Likely benign. Review status: criteria provided, multiple submitters, no conflicts (2 of 4 stars). 4 submissions from 4 submitters: Likely benign (3). 1 of the submissions does not count toward it. Last evaluated 2026-01-27.

Conditions:
Vici syndrome (VICIS). Identifiers: Orphanet 1493, MedGen C1855772, MONDO:0009452, OMIM 242840.
EPG5-related disorder. Also called: EPG5-related condition. Identifiers: MedGen CN381528.

Allele frequency attached by ClinVar (database versions not stated): gnomAD exomes 0.00008 and 0.00022; ExAC 0.00024; 1000 Genomes Project 0.00060; ESP Exome Variant Server 0.00073; 1000 Genomes Project 30x 0.00078; TOPMed 0.00090; gnomAD 0.00094 and 0.00103.

Submissions (4):

Labcorp Genetics (formerly Invitae), Labcorp
Classification: Likely benign for Vici syndrome. Last evaluated: 2026-01-27. Review status: criteria provided, single submitter. Criteria: Invitae Variant Classification Sherloc (09022015). Collection method: clinical testing. Allele origin: germline.

Blueprint Genetics
Classification: Likely benign. Last evaluated: 2024-06-26. Review status: criteria provided, single submitter. Criteria: ACMG Guidelines, 2015. Collection method: clinical testing. Allele origin: germline.

GeneDx
Classification: Likely benign. Last evaluated: 2020-02-15. Review status: criteria provided, single submitter. Criteria: GeneDx Variant Classification Process June 2021. Collection method: clinical testing. Allele origin: germline. Affected: yes.
Comment: Has not been previously published as pathogenic or benign to our knowledge; In silico analysis, which includes protein predictors and evolutionary conservation, supports that this variant does not alter protein structure/function; Reported in ClinVar as likely benign but additional evidence is not available (SCV000763877.1; Landrum et al., 2016); Observed in 0.0324% (91/280904 alleles) in large population cohorts (Lek et al., 2016)

PreventionGenetics, part of Exact Sciences
Classification: Likely benign for EPG5-related condition. Last evaluated: 2023-03-21. Review status: no assertion criteria provided. Collection method: clinical testing. Allele origin: germline. Not counted in ClinVar's aggregate classification.
Comment: This variant is classified as likely benign based on ACMG/AMP sequence variant interpretation guidelines (Richards et al. 2015 PMID: 25741868, with internal and published modifications).